The following is an entry in ClinVar:

ClinVar aggregate classification (germline): Pathogenic. Review status: criteria provided, multiple submitters, no conflicts (2 of 4 stars). 2 submissions from 2 submitters: Pathogenic (2). Last evaluated 2024-05-23.

Conditions:
CFTR-related disorder (CFTR-RD). Also called: CFTR-related condition; CFTR-related disorders. Identifiers: MedGen C5924204, MONDO:7770004.
Cystic fibrosis (CF). Also called: MUCOVISCIDOSIS. Identifiers: Orphanet 586, MedGen C0010674, MONDO:0009061, OMIM 219700. Disease mechanism: loss of function.

Submissions (2):

Natera, Inc.
Classification: Pathogenic for CFTR-related disorders. Last evaluated: 2024-05-23. Review status: criteria provided, single submitter. Criteria: Natera Variant Classification Schema (03/2026). Collection method: clinical testing. Allele origin: germline.
Comment: The c.489+1G>A variant in CFTR is a canonical splice donor site variant predicted to affect pre-mRNA splicing, which may result in an abnormal transcript and altered protein product. This variant is expected to result in nonsense mediated decay, truncation, or a dysfunctional protein product. This variant is rare in the general population with a frequency below the threshold expected for the associated phenotype(s). Another variant at this same site results in an alteration predicted to cause a similar molecular effect has been observed in individual(s) with the associated phenotype. Given the available evidence, this variant is classified as Pathogenic.

Labcorp Genetics (formerly Invitae), Labcorp
Classification: Pathogenic for Cystic fibrosis. Last evaluated: 2020-03-09. Review status: criteria provided, single submitter. Criteria: Invitae Variant Classification Sherloc (09022015). Collection method: clinical testing. Allele origin: germline.
Comment: Algorithms developed to predict the effect of sequence changes on RNA splicing suggest that this variant may disrupt the consensus splice site, but this prediction has not been confirmed by published transcriptional studies. For these reasons, this variant has been classified as Pathogenic. Donor and acceptor splice site variants typically lead to a loss of protein function (PMID: 16199547), and loss-of-function variants in CFTR are known to be pathogenic (PMID: 1695717, 7691345, 9725922). Disruption of this splice site has been observed in individual(s) with cystic fibrosis (PMID: 23974870, 15371902). This variant is not present in population databases (ExAC no frequency). This sequence change affects a donor splice site in intron 4 of the CFTR gene. It is expected to disrupt RNA splicing and likely results in an absent or disrupted protein product.

Literature cited by the submitters: PubMed 16199547 (cited by Labcorp Genetics (formerly Invitae), Labcorp); PubMed 1695717 (cited by Labcorp Genetics (formerly Invitae), Labcorp); PubMed 7691345 (cited by Labcorp Genetics (formerly Invitae), Labcorp); PubMed 9725922 (cited by Labcorp Genetics (formerly Invitae), Labcorp); PubMed 23974870 (cited by Labcorp Genetics (formerly Invitae), Labcorp); PubMed 15371902 (cited by Labcorp Genetics (formerly Invitae), Labcorp).

NM_000492.4(CFTR):c.489+1G>A

Gene: CFTR (CF transmembrane conductance regulator; plus strand). Cytogenetic location: 7q31.2.
Variant type: single nucleotide variant.
Coding change: c.489+1G>A on transcript NM_000492.4 (MANE Select); the canonical splice donor site of the intron after coding-DNA position 489, G replaced by A.
Molecular consequence: splice donor variant.
Genome position (GRCh38, 1-based): chr7:117,531,115, G>A. VCF-style: chr7-117531115-G-A. GRCh37 (hg19) VCF-style: chr7-117171169-G-A.
Other names: c.489+1G>A (NM_000492.3).
Identifiers: ClinVar variation 1069526 (VCV001069526.10), dbSNP rs78756941, ClinGen allele CA368975249.
Genomic context (GRCh38, chr7:117,531,115, plus strand): 5'-GGCCTTCATCACATTGGAATGCAGATGAGAATAGCTATGTTTAGTTTGATTTATAAGAAG[G>A]TAATACTTCCTTGCACAGGCCCCATGGCACATATATTCTGTATCGTACATGTTTTAATGT-3'